The following is an entry in ClinVar:

ClinVar aggregate classification (germline): Conflicting classifications of pathogenicity. Review status: criteria provided, conflicting classifications (1 of 4 stars). 7 submissions from 7 submitters: Uncertain significance (2); Benign (1); Likely benign (4). Last evaluated 2026-01-19.

Conditions:
Inborn genetic diseases. Identifiers: MedGen C0950123, MeSH D030342.
Developmental and epileptic encephalopathy, 11 (DEE11). Also called: Early infantile epileptic encephalopathy 11. Identifiers: Orphanet 1934, MedGen C3150987, MONDO:0013388, OMIM 613721.
Seizures, benign familial infantile, 3 (BFIS3). Also called: CONVULSIONS, BENIGN FAMILIAL INFANTILE, 3; Familial neonatal seizures. Identifiers: Orphanet 140927, Orphanet 306, MedGen C1843140, MONDO:0011904, OMIM 607745.

Allele frequency attached by ClinVar (database versions not stated): ESP Exome Variant Server 0.00008; gnomAD exomes 0.00012 and 0.00026; gnomAD 0.00015 and 0.00017; 1000 Genomes Project 30x 0.00016; ExAC 0.00018; TOPMed 0.00018; 1000 Genomes Project 0.00020.
gnomAD v4.1: 205 of 1,614,062 alleles (0.013%); highest among the groups gnomAD compares: East Asian, 0.14%; 1 homozygote.

Submissions (7):

Labcorp Genetics (formerly Invitae), Labcorp
Classification: Likely benign for Seizures, benign familial infantile, 3; Developmental and epileptic encephalopathy, 11. Last evaluated: 2026-01-19. Review status: criteria provided, single submitter. Criteria: Invitae Variant Classification Sherloc (09022015). Collection method: clinical testing. Allele origin: germline.

CeGaT Center for Human Genetics Tuebingen
Classification: Likely benign. Last evaluated: 2025-02-01. Review status: criteria provided, single submitter. Criteria: CeGaT Center For Human Genetics Tuebingen Variant Classification Criteria Version 2. Collection method: clinical testing. Allele origin: germline. Affected: yes. Observed: 1 variant allele.
Comment: SCN2A: BS1

Blueprint Genetics
Classification: Likely benign. Last evaluated: 2024-09-18. Review status: criteria provided, single submitter. Criteria: ACMG Guidelines, 2015. Collection method: clinical testing. Allele origin: germline.

GeneDx
Classification: Benign. Last evaluated: 2021-06-24. Review status: criteria provided, single submitter. Criteria: GeneDx Variant Classification Process June 2021. Collection method: clinical testing. Allele origin: germline. Affected: yes.

New York Genome Center
Classification: Uncertain significance for Developmental and epileptic encephalopathy, 11. Last evaluated: 2021-02-24. Review status: criteria provided, single submitter. Criteria: NYGC Assertion Criteria 2020. Collection method: clinical testing. Allele origin: inherited. Observed: 1 heterozygote. Study: CSER-NYCKidSeq.

Ambry Genetics
Classification: Likely benign for Inborn genetic diseases. Last evaluated: 2017-05-19. Review status: criteria provided, single submitter. Criteria: Ambry Variant Classification Scheme 2023. Collection method: clinical testing. Allele origin: germline.

Genetic Services Laboratory, University of Chicago
Classification: Uncertain significance. Last evaluated: 2014-12-16. Review status: criteria provided, single submitter. Criteria: ACMG Guidelines, 2015. Collection method: clinical testing. Allele origin: germline.

NM_001040142.2(SCN2A):c.5468A>C (p.Asp1823Ala)

Gene: SCN2A (sodium voltage-gated channel alpha subunit 2; plus strand). Cytogenetic location: 2q24.3.
Variant type: single nucleotide variant.
Coding change: c.5468A>C on transcript NM_001040142.2 (MANE Select); coding-DNA position 5468, A replaced by C.
Protein change: p.Asp1823Ala; replaces aspartic acid 1823 with alanine.
Molecular consequence: missense variant.
Genome position (GRCh38, 1-based): chr2:165,389,274, A>C. VCF-style: chr2-165389274-A-C. GRCh37 (hg19) VCF-style: chr2-166245784-A-C.
Other names: c.5468A>C, p.Asp1823Ala (NM_001040143.2, NM_001371246.1, NM_001371247.1 and 1 more transcripts); short protein forms D1823A.
Identifiers: ClinVar variation 212131 (VCV000212131.37), dbSNP rs138497939, ClinGen allele CA205521.